The following is an entry in ClinVar:

ClinVar aggregate classification (germline): Likely benign (1 of 4 stars; one submission).

Conditions:
MVK-related disorder. Also called: MVK-related disorders; MVK-related condition. Identifiers: MedGen CN239294.

Submission:

PreventionGenetics, part of Exact Sciences
Classification: Likely benign for MVK-related condition. Last evaluated: 2026-09-23. Review status: criteria provided, single submitter. Criteria: ACMG Guidelines, 2015. Collection method: clinical testing. Allele origin: germline.
Comment: This variant is classified as likely benign based on ACMG/AMP sequence variant interpretation guidelines (Richards et al. 2015 PMID: 25741868, with internal and published modifications).

NM_000431.4(MVK):c.78+8dup

Gene: MVK (mevalonate kinase; plus strand). Cytogenetic location: 12q24.11.
Variant type: Duplication.
Coding change: c.78+8dup on transcript NM_000431.4 (MANE Select); 8 bases into the intron after coding-DNA position 78, one base duplicated (G; older notation c.78+8dupG).
Molecular consequence: intron variant.
Genome position (GRCh38, 1-based): chr12:109,574,908, G duplicated. VCF-style (leftmost placement, unchanged base first): chr12-109574907-A-AG. GRCh37 (hg19) VCF-style: chr12-110012712-A-AG.
Other names: c.78+8dup (NM_001414511.1, NM_001414512.1, NM_001414513.1 and 3 more transcripts); c.-505+1035dup (NM_001414515.1).
Identifiers: ClinVar variation 4985448 (VCV004985448.1).
Genomic context (GRCh38, chr12:109,574,907, plus strand): 5'-TCTGCTCCGGGGAAAGTCATCCTTCATGGAGAACATGCCGTGGTACATGGCAAGGTACAA[A>AG]GCCGTTAGAGCCTTTAAGGATTGGGTACCCCTTCTCCCTGATGCTAATTTTGTAAGAAGG-3'